The following is an entry in ClinVar:

ClinVar aggregate classification (germline): Likely pathogenic (1 of 4 stars; one submission).

Submission:

ISCA site 14
Classification: Likely pathogenic. Last evaluated: 2017-09-06. Review status: criteria provided, single submitter. Criteria: Kaminsky et al. (Genet Med. 2011). Collection method: clinical testing. Allele origin: unknown. Affected: yes. Observed: 1 variant allele.
Comment: Copy number variation identified through the course of routine clinical cytogenomic testing in postnatal populations. Clinical assertions have been curated as described in Kaminsky et al. 2011.

GRCh38/hg38 11p11.2(chr11:44114130-44171722)x1

Gene: EXT2 (exostosin glycosyltransferase 2; plus strand). Cytogenetic location: 11p11.2.
Variant type: copy number loss.
Change: copy number 1 (one copy instead of two) of chr11:44,114,130-44,171,722 (57.6 kb, GRCh38 coordinates, 1-based), cytogenetic band 11p11.2.
Identifiers: ClinVar variation 59414 (VCV000059414.2).